The following is an entry in ClinVar:

ClinVar aggregate classification (germline): Uncertain significance (1 of 4 stars; one submission).

Submission:

GeneDx
Classification: Uncertain significance. Last evaluated: 2025-04-21. Review status: criteria provided, single submitter. Criteria: GeneDx Variant Classification Process June 2021. Collection method: clinical testing. Allele origin: germline. Affected: yes.
Comment: Not observed at significant frequency in large population cohorts (gnomAD); In silico analysis supports that this missense variant has a deleterious effect on protein structure/function; This variant is associated with the following publications: (PMID: 19267391, 17389303)

NM_198586.3(NHLRC1):c.1139T>C (p.Leu380Pro)

Gene: NHLRC1 (NHL repeat containing E3 ubiquitin protein ligase 1; minus strand). Cytogenetic location: 6p22.3.
Variant type: single nucleotide variant.
Coding change: c.1139T>C on transcript NM_198586.3 (MANE Select); coding-DNA position 1139, T replaced by C.
Protein change: p.Leu380Pro; replaces leucine 380 with proline.
Molecular consequence: missense variant.
Genome position (GRCh38, 1-based): chr6:18,121,468, A>G on the plus strand (T>C on the coding strand, the complement: NHLRC1 is on the minus strand). VCF-style: chr6-18121468-A-G. GRCh37 (hg19) VCF-style: chr6-18121699-A-G.
Other names: short protein forms L380P.
Identifiers: ClinVar variation 4527650 (VCV004527650.1).
Genomic context (GRCh38, chr6:18,121,468, plus strand): 5'-ACCCCAGCCCATCACCCCCAGTCAACTTTATAGACTTTTATAGAATGAGATGCTGTGTCC[A>G]GCACAAGAAGAGAATTCTCCTTGGTGAAGGTAAGAGCCACAGGATGCGAAAGACCATGAG-3'
Protein context (NP_940988.2, residues 370-390): TFTKENSLLV[Leu380Pro]DTASHSIKVY